The following is an entry in ClinVar:

ClinVar aggregate classification (germline): Conflicting classifications of pathogenicity. Review status: criteria provided, conflicting classifications (1 of 4 stars). 2 submissions from 2 submitters: Uncertain significance (1); Likely benign (1). Last evaluated 2024-03-23.

Conditions:
Charcot-Marie-Tooth disease dominant intermediate E. Also called: CHARCOT-MARIE-TOOTH NEUROPATHY WITH FOCAL SEGMENTAL GLOMERULONEPHRITIS. Identifiers: Orphanet 93114, MedGen C4302667, MONDO:0013758, OMIM 614455.
Focal segmental glomerulosclerosis 5 (FSGS5). Identifiers: Orphanet 656, MedGen C2750475, MONDO:0013191, OMIM 613237.

Allele frequency attached by ClinVar (database versions not stated): ExAC 0.00001; gnomAD exomes 0.00001; TOPMed 0.00001.
gnomAD v4.1: 13 of 1,611,860 alleles (0.00081%); highest among the groups gnomAD compares: South Asian, 0.0088%; no homozygotes.

Submissions (2):

GeneDx
Classification: Likely benign. Last evaluated: 2024-03-23. Review status: criteria provided, single submitter. Criteria: GeneDx Variant Classification Process June 2021. Collection method: clinical testing. Allele origin: germline. Affected: yes.
Comment: See Variant Classification Assertion Criteria.

Labcorp Genetics (formerly Invitae), Labcorp
Classification: Uncertain significance for Charcot-Marie-Tooth disease dominant intermediate E; Focal segmental glomerulosclerosis 5. Last evaluated: 2022-03-28. Review status: criteria provided, single submitter. Criteria: Invitae Variant Classification Sherloc (09022015). Collection method: clinical testing. Allele origin: germline.
Comment: This sequence change replaces arginine, which is basic and polar, with glutamine, which is neutral and polar, at codon 261 of the INF2 protein (p.Arg261Gln). This variant is present in population databases (rs749543418, gnomAD 0.007%). This variant has not been reported in the literature in individuals affected with INF2-related conditions. ClinVar contains an entry for this variant (Variation ID: 388001). Algorithms developed to predict the effect of missense changes on protein structure and function output the following: SIFT: "Tolerated"; PolyPhen-2: "Possibly Damaging"; Align-GVGD: "Class C0". The glutamine amino acid residue is found in multiple mammalian species, which suggests that this missense change does not adversely affect protein function. In summary, the available evidence is currently insufficient to determine the role of this variant in disease. Therefore, it has been classified as a Variant of Uncertain Significance.

NM_022489.4(INF2):c.782G>A (p.Arg261Gln)

Gene: INF2 (inverted formin 2; plus strand). Cytogenetic location: 14q32.33.
Variant type: single nucleotide variant.
Coding change: c.782G>A on transcript NM_022489.4 (MANE Select); coding-DNA position 782, G replaced by A.
Protein change: p.Arg261Gln; replaces arginine 261 with glutamine.
Molecular consequence: missense variant.
Genome position (GRCh38, 1-based): chr14:104,706,115, G>A. VCF-style: chr14-104706115-G-A. GRCh37 (hg19) VCF-style: chr14-105172452-G-A.
Other names: c.782G>A, p.Arg261Gln (NM_001031714.4); short protein forms R261Q.
Identifiers: ClinVar variation 388001 (VCV000388001.11), dbSNP rs749543418, ClinGen allele CA7372422.
Genomic context (GRCh38, chr14:104,706,115, plus strand): 5'-TGCTGATCCAGCTGGAGGCTTTCGAGGAGGCTAAGGCCGAGGACGAGGAGGAGCTGCTGC[G>A]AGTCTCTGGCGGGGTCGACATGAGCAGCCACCAGGAGGTCTTTGCCTCCCTGTTCCACAA-3'
Protein context (NP_071934.3, residues 251-271): AKAEDEEELL[Arg261Gln]VSGGVDMSSH